The following is an entry in ClinVar:

NM_000439.5(PCSK1):c.339A>G (p.Leu113=)

Genes: CAST (calpastatin; plus strand), PCSK1 (proprotein convertase subtilisin/kexin type 1; minus strand), LOC101929710 (uncharacterized LOC101929710; plus strand). Cytogenetic location: 5q15.
Variant type: single nucleotide variant.
Coding change: c.339A>G on transcript NM_000439.5 (MANE Select); coding-DNA position 339, A replaced by G.
Protein change: p.Leu113=; no amino-acid change (leucine 113 retained).
Molecular consequence: synonymous variant. On other transcripts: intron variant (11).
Genome position (GRCh38, 1-based): chr5:96,425,877, T>C on the plus strand (A>G on the coding strand, the complement: PCSK1 is on the minus strand). VCF-style: chr5-96425877-T-C. GRCh37 (hg19) VCF-style: chr5-95761581-T-C.
Other names: c.198A>G, p.Leu66= (NM_001177875.2); c.-175+46225T>C (NM_001423254.1, NM_001423259.1, NM_001423255.1 and 6 more transcripts); c.-103+46225T>C (NM_001423253.1); c.-40+46225T>C (NM_001423258.1).
Identifiers: ClinVar variation 3350698 (VCV003350698.1).
Genomic context (GRCh38, chr5:96,425,877, plus strand): 5'-TACCAAGTACCATTGCTGATTCCACATGGGATCATTGAAGAGATTTAGTGCTGAGTCCCT[T>C]AGAGCTGAACGTTTACTTCTTTCTTTTTCATACTGTTGTTCAGCCCATATCACCTACAAG-3'
Protein context (NP_000430.3, residues 103-123): YEKERSKRSA[Leu113=]RDSALNLFND

ClinVar aggregate classification (germline): Likely benign. Review status: criteria provided, single submitter (1 of 4 stars). 2 submissions from 2 submitters: Likely benign (1). 1 of the submissions does not count toward it. Last evaluated 2025-07-04.

Conditions:
PCSK1-related disorder. Also called: PCSK1-related condition.

gnomAD v4.1: 5 of 1,612,916 alleles (0.00031%); highest among the groups gnomAD compares: African/African-American, 0.0067%; no homozygotes.

Submissions (2):

Labcorp Genetics (formerly Invitae), Labcorp
Classification: Likely benign. Last evaluated: 2025-07-04. Review status: criteria provided, single submitter. Criteria: Invitae Variant Classification Sherloc (09022015). Collection method: clinical testing. Allele origin: germline.

PreventionGenetics, part of Exact Sciences
Classification: Likely benign for PCSK1-related condition. Last evaluated: 2020-10-05. Review status: no assertion criteria provided. Collection method: clinical testing. Allele origin: germline. Not counted in ClinVar's aggregate classification.
Comment: This variant is classified as likely benign based on ACMG/AMP sequence variant interpretation guidelines (Richards et al. 2015 PMID: 25741868, with internal and published modifications).